The following is an entry in ClinVar:

NM_003803.4(MYOM1):c.2385-9T>C

Gene: MYOM1 (myomesin 1; minus strand). Cytogenetic location: 18p11.31.
Variant type: single nucleotide variant.
Coding change: c.2385-9T>C on transcript NM_003803.4 (MANE Select); 9 bases into the intron before coding-DNA position 2385, T replaced by C.
Molecular consequence: intron variant.
Genome position (GRCh38, 1-based): chr18:3,131,505, A>G on the plus strand (T>C on the coding strand, the complement: MYOM1 is on the minus strand). VCF-style: chr18-3131505-A-G. GRCh37 (hg19) VCF-style: chr18-3131503-A-G.
Other names: c.2385-9T>C (NM_019856.2).
Identifiers: ClinVar variation 454438 (VCV000454438.13), dbSNP rs199829674, ClinGen allele CA8874641.

ClinVar aggregate classification (germline): Likely benign. Review status: criteria provided, single submitter (1 of 4 stars). 2 submissions from 2 submitters: Likely benign (1). 1 of the submissions does not count toward it. Last evaluated 2025-12-15.

Conditions:
Hypertrophic cardiomyopathy. Also called: HYPERTROPHIC MYOCARDIOPATHY. Identifiers: Orphanet 217569, MedGen C0007194, MeSH D002312, MONDO:0005045, HP:0001639.
MYOM1-related disorder.

Allele frequency attached by ClinVar (database versions not stated): gnomAD 0.00032 and 0.00033; TOPMed 0.00035.
gnomAD v4.1: 581 of 1,608,666 alleles (0.036%); highest among the groups gnomAD compares: Non-Finnish European, 0.044%; 1 homozygote.

Submissions (2):

Labcorp Genetics (formerly Invitae), Labcorp
Classification: Likely benign for Hypertrophic cardiomyopathy. Last evaluated: 2025-12-15. Review status: criteria provided, single submitter. Criteria: Invitae Variant Classification Sherloc (09022015). Collection method: clinical testing. Allele origin: germline.

PreventionGenetics, part of Exact Sciences
Classification: Likely benign for MYOM1-related condition. Last evaluated: 2019-10-28. Review status: no assertion criteria provided. Collection method: clinical testing. Allele origin: germline. Not counted in ClinVar's aggregate classification.
Comment: This variant is classified as likely benign based on ACMG/AMP sequence variant interpretation guidelines (Richards et al. 2015 PMID: 25741868, with internal and published modifications).